The following is an entry in ClinVar:

NM_006563.5(KLF1):c.785C>G (p.Ala262Gly)

Genes: KLF1 (KLF transcription factor 1; minus strand), LOC117125591 (CRISPRi-FlowFISH-validated PRDX2 and RAD23A regulatory element; plus strand). Cytogenetic location: 19p13.13.
Variant type: single nucleotide variant.
Coding change: c.785C>G on transcript NM_006563.5 (MANE Select); coding-DNA position 785, C replaced by G.
Protein change: p.Ala262Gly; replaces alanine 262 with glycine.
Molecular consequence: missense variant.
Genome position (GRCh38, 1-based): chr19:12,885,445, G>C on the plus strand (C>G on the coding strand, the complement: KLF1 is on the minus strand). VCF-style: chr19-12885445-G-C. GRCh37 (hg19) VCF-style: chr19-12996259-G-C.
Other names: short protein forms A262G.
Identifiers: ClinVar variation 3012098 (VCV003012098.3), dbSNP rs756981857, ClinGen allele CA9234016.

ClinVar aggregate classification (germline): Uncertain significance (1 of 4 stars; one submission).

Allele frequency attached by ClinVar (database versions not stated): gnomAD exomes below 0.00001; ExAC 0.00002.
gnomAD v4.1: 3 of 1,604,672 alleles (0.00019%); highest among the groups gnomAD compares: Non-Finnish European, 0.00026%; no homozygotes.

Submission:

Labcorp Genetics (formerly Invitae), Labcorp
Classification: Uncertain significance. Last evaluated: 2023-11-04. Review status: criteria provided, single submitter. Criteria: Invitae Variant Classification Sherloc (09022015). Collection method: clinical testing. Allele origin: germline.
Comment: This sequence change replaces alanine, which is neutral and non-polar, with glycine, which is neutral and non-polar, at codon 262 of the KLF1 protein (p.Ala262Gly). This variant is present in population databases (rs756981857, gnomAD 0.002%). This variant has not been reported in the literature in individuals affected with KLF1-related conditions. Advanced modeling of protein sequence and biophysical properties (such as structural, functional, and spatial information, amino acid conservation, physicochemical variation, residue mobility, and thermodynamic stability) performed at Invitae indicates that this missense variant is not expected to disrupt KLF1 protein function with a negative predictive value of 80%. In summary, the available evidence is currently insufficient to determine the role of this variant in disease. Therefore, it has been classified as a Variant of Uncertain Significance.